The following is an entry in ClinVar:

NM_003054.6(SLC18A2):c.49C>T (p.Arg17Cys)

Genes: SLC18A2 (solute carrier family 18 member A2; plus strand), SLC18A2-AS1 (SLC18A2 antisense RNA 1; minus strand). Cytogenetic location: 10q25.3.
Variant type: single nucleotide variant.
Coding change: c.49C>T on transcript NM_003054.6 (MANE Select); coding-DNA position 49, C replaced by T.
Protein change: p.Arg17Cys; replaces arginine 17 with cysteine.
Molecular consequence: missense variant.
Genome position (GRCh38, 1-based): chr10:117,241,742, C>T. VCF-style: chr10-117241742-C-T. GRCh37 (hg19) VCF-style: chr10-119001253-C-T.
Other names: c.49C>T (NM_003054.4); short protein forms R17C.
Identifiers: ClinVar variation 2058367 (VCV002058367.4), dbSNP rs148348449, ClinGen allele CA5710166.
Genomic context (GRCh38, chr10:117,241,742, plus strand): 5'-AGCCCCGGAGCCATGGCCCTGAGCGAGCTGGCGCTGGTCCGCTGGCTGCAGGAGAGCCGC[C>T]GCTCGCGGAAGCTCATCCTGTTCATCGTGTTCCTGGCGCTGCTGCTGGACAACATGCTGC-3'
Protein context (NP_003045.2, residues 7-27): ALVRWLQESR[Arg17Cys]SRKLILFIVF

ClinVar aggregate classification (germline): Uncertain significance. Review status: criteria provided, multiple submitters, no conflicts (2 of 4 stars). 2 submissions from 2 submitters: Uncertain significance (2). Last evaluated 2025-04-28.

Conditions:
Inborn genetic diseases. Identifiers: MedGen C0950123, MeSH D030342.

Allele frequency attached by ClinVar (database versions not stated): ESP Exome Variant Server 0.00054.
gnomAD v4.1: 792 of 1,609,854 alleles (0.049%); highest among the groups gnomAD compares: Non-Finnish European, 0.059%; no homozygotes.

Submissions (2):

Ambry Genetics
Classification: Uncertain significance for Inborn genetic diseases. Last evaluated: 2025-04-28. Review status: criteria provided, single submitter. Criteria: Ambry Variant Classification Scheme 2023. Collection method: clinical testing. Allele origin: germline.

Labcorp Genetics (formerly Invitae), Labcorp
Classification: Uncertain significance. Last evaluated: 2022-08-04. Review status: criteria provided, single submitter. Criteria: Invitae Variant Classification Sherloc (09022015). Collection method: clinical testing. Allele origin: germline.
Comment: This sequence change replaces arginine, which is basic and polar, with cysteine, which is neutral and slightly polar, at codon 17 of the SLC18A2 protein (p.Arg17Cys). This variant is present in population databases (rs148348449, gnomAD 0.05%). This variant has not been reported in the literature in individuals affected with SLC18A2-related conditions. Algorithms developed to predict the effect of missense changes on protein structure and function (SIFT, PolyPhen-2, Align-GVGD) all suggest that this variant is likely to be tolerated. In summary, the available evidence is currently insufficient to determine the role of this variant in disease. Therefore, it has been classified as a Variant of Uncertain Significance.